The following is an entry in ClinVar:

NM_007294.4(BRCA1):c.5339T>A (p.Leu1780Gln)

Gene: BRCA1 (BRCA1 DNA repair associated; minus strand). Cytogenetic location: 17q21.31.
Variant type: single nucleotide variant.
Coding change: c.5339T>A on transcript NM_007294.4 (MANE Select); coding-DNA position 5339, T replaced by A.
Protein change: p.Leu1780Gln; replaces leucine 1780 with glutamine.
Molecular consequence: missense variant. On other transcripts: non-coding transcript variant (1), intron variant (1).
Genome position (GRCh38, 1-based): chr17:43,049,188, A>T on the plus strand (T>A on the coding strand, the complement: BRCA1 is on the minus strand). VCF-style: chr17-43049188-A-T. GRCh37 (hg19) VCF-style: chr17-41201205-A-T.
Other names: c.1817T>A, p.Leu606Gln (NM_001408484.1, NM_001408490.1, NM_001408491.1 and 5 more transcripts); c.5192T>A, p.Leu1731Gln (NM_001407845.1, NM_001407843.1, NM_001407844.1 and 12 more transcripts); c.1814T>A, p.Leu605Gln (NM_001408492.1, NM_001408493.1); c.1790T>A, p.Leu597Gln (NM_001408494.1); c.1784T>A, p.Leu595Gln (NM_001408495.1); c.1766T>A, p.Leu589Gln (NM_001408496.1, NM_001408497.1, NM_001408498.1 and 3 more transcripts); c.5072T>A, p.Leu1691Gln (NM_001407930.1, NM_001407931.1, NM_001407932.1 and 4 more transcripts); c.5069T>A, p.Leu1690Gln (NM_001407934.1, NM_001407935.1, NM_001407936.1); and 73 more; short protein forms L1780Q, L1801Q, L676Q, L1733Q, L1651Q, L1652Q, L1709Q, L1711Q.
Identifiers: ClinVar variation 462670 (VCV000462670.10), dbSNP rs80357474, ClinGen allele CA10590784.
Genomic context (GRCh38, chr17:43,049,188, plus strand): 5'-AGGGTGAATGATGAAAGCTCCTTCACCACAGAAGCACCACACAGCTGTACCATCCATTCC[A>T]GTTGATCTAAAATGGACATTTAGATGTAAAATCACTGCAGTAATCTGCATACTTAACCCA-3'
Protein context (NP_009225.1, residues 1770-1790): GPFTNMPTDQ[Leu1780Gln]EWMVQLCGAS

ClinVar aggregate classification (germline): Likely pathogenic (1 of 4 stars; one submission).

Conditions:
Hereditary breast ovarian cancer syndrome. Also called: Hereditary breast and ovarian cancer syndrome (HBOC); Hereditary breast and ovarian cancer syndrome; Breast and ovarian cancer; Hereditary breast and/or ovarian cancer syndrome; Hereditary breast and ovarian cancer; BRCA1- and BRCA2-Associated Hereditary Breast and Ovarian Cancer. Identifiers: Orphanet 145, MedGen C0677776, MeSH D061325, MONDO:0003582. Disease mechanism: loss of function.

Submission:

Labcorp Genetics (formerly Invitae), Labcorp
Classification: Likely pathogenic for Hereditary breast ovarian cancer syndrome. Last evaluated: 2024-02-01. Review status: criteria provided, single submitter. Criteria: Invitae Variant Classification Sherloc (09022015). Collection method: clinical testing. Allele origin: germline.
Comment: This sequence change replaces leucine, which is neutral and non-polar, with glutamine, which is neutral and polar, at codon 1780 of the BRCA1 protein (p.Leu1780Gln). This variant is not present in population databases (gnomAD no frequency). This variant has not been reported in the literature in individuals affected with BRCA1-related conditions. ClinVar contains an entry for this variant (Variation ID: 462670). Advanced modeling of protein sequence and biophysical properties (such as structural, functional, and spatial information, amino acid conservation, physicochemical variation, residue mobility, and thermodynamic stability) performed at Invitae indicates that this missense variant is expected to disrupt BRCA1 protein function with a positive predictive value of 95%. This variant disrupts the p.Leu1780 amino acid residue in BRCA1. Other variant(s) that disrupt this residue have been determined to be pathogenic (PMID: 15117986, 17100994, 22217648, 27124784, 27383479, 27488874, 27658390, 28111427, 28288110, 28364669, 29020732, 29770616). This suggests that this residue is clinically significant, and that variants that disrupt this residue are likely to be disease-causing. In summary, the currently available evidence indicates that the variant is pathogenic, but additional data are needed to prove that conclusively. Therefore, this variant has been classified as Likely Pathogenic.

Literature cited by the submitters: PubMed 15117986; PubMed 17100994; PubMed 22217648; PubMed 27124784; PubMed 27383479; PubMed 27488874; PubMed 27658390; PubMed 28111427; PubMed 28288110; PubMed 28364669; PubMed 29020732; PubMed 29770616.